The following is an entry in ClinVar:

ClinVar aggregate classification (germline): Uncertain significance (1 of 4 stars; one submission).

Allele frequency attached by ClinVar (database versions not stated): gnomAD exomes below 0.00001; TOPMed below 0.00001; ExAC 0.00001.
gnomAD v4.1: 3 of 1,614,066 alleles (0.00019%); highest among the groups gnomAD compares: Non-Finnish European, 0.00025%; no homozygotes.

Submission:

Labcorp Genetics (formerly Invitae), Labcorp
Classification: Uncertain significance. Last evaluated: 2023-10-10. Review status: criteria provided, single submitter. Criteria: Invitae Variant Classification Sherloc (09022015). Collection method: clinical testing. Allele origin: germline.
Comment: This sequence change replaces valine, which is neutral and non-polar, with alanine, which is neutral and non-polar, at codon 744 of the LEMD3 protein (p.Val744Ala). This variant is present in population databases (rs767566947, gnomAD 0.0009%). This variant has not been reported in the literature in individuals affected with LEMD3-related conditions. Advanced modeling of protein sequence and biophysical properties (such as structural, functional, and spatial information, amino acid conservation, physicochemical variation, residue mobility, and thermodynamic stability) performed at Invitae indicates that this missense variant is expected to disrupt LEMD3 protein function. In summary, the available evidence is currently insufficient to determine the role of this variant in disease. Therefore, it has been classified as a Variant of Uncertain Significance.

NM_014319.5(LEMD3):c.2231T>C (p.Val744Ala)

Gene: LEMD3 (LEM domain containing 3; plus strand). Cytogenetic location: 12q14.3.
Variant type: single nucleotide variant.
Coding change: c.2231T>C on transcript NM_014319.5 (MANE Select); coding-DNA position 2231, T replaced by C.
Protein change: p.Val744Ala; replaces valine 744 with alanine.
Molecular consequence: missense variant.
Genome position (GRCh38, 1-based): chr12:65,241,013, T>C. VCF-style: chr12-65241013-T-C. GRCh37 (hg19) VCF-style: chr12-65634793-T-C.
Other names: c.2228T>C, p.Val743Ala (NM_001167614.2); short protein forms V744A, V743A.
Identifiers: ClinVar variation 2790982 (VCV002790982.3), dbSNP rs767566947, ClinGen allele CA6671167.